The following is an entry in ClinVar:

NM_020699.4(GATAD2B):c.71G>A (p.Arg24Gln)

Gene: GATAD2B (GATA zinc finger domain containing 2B; minus strand). Cytogenetic location: 1q21.3.
Variant type: single nucleotide variant.
Coding change: c.71G>A on transcript NM_020699.4 (MANE Select); coding-DNA position 71, G replaced by A.
Protein change: p.Arg24Gln; replaces arginine 24 with glutamine.
Molecular consequence: missense variant.
Genome position (GRCh38, 1-based): chr1:153,828,277, C>T on the plus strand (G>A on the coding strand, the complement: GATAD2B is on the minus strand). VCF-style: chr1-153828277-C-T. GRCh37 (hg19) VCF-style: chr1-153800753-C-T.
Other names: short protein forms R24Q.
Identifiers: ClinVar variation 2432057 (VCV002432057.6), dbSNP rs867670850, ClinGen allele CA30718343.

ClinVar aggregate classification (germline): Uncertain significance. Review status: criteria provided, multiple submitters, no conflicts (2 of 4 stars). 2 submissions from 2 submitters: Uncertain significance (2). Last evaluated 2023-05-24.

Conditions:
Severe intellectual disability-poor language-strabismus-grimacing face-long fingers syndrome (GAND). Also called: GAND SYNDROME. Identifiers: Orphanet 363686, MedGen C3554448, MONDO:0014034, OMIM 615074.

Allele frequency attached by ClinVar (database versions not stated): gnomAD exomes 0.00001.
gnomAD v4.1: 9 of 1,613,908 alleles (0.00056%); highest among the groups gnomAD compares: East Asian, 0.0022%; no homozygotes.

Submissions (2):

Labcorp Genetics (formerly Invitae), Labcorp
Classification: Uncertain significance. Last evaluated: 2023-05-24. Review status: criteria provided, single submitter. Criteria: Invitae Variant Classification Sherloc (09022015). Collection method: clinical testing. Allele origin: germline.
Comment: In summary, the available evidence is currently insufficient to determine the role of this variant in disease. Therefore, it has been classified as a Variant of Uncertain Significance. Advanced modeling of protein sequence and biophysical properties (such as structural, functional, and spatial information, amino acid conservation, physicochemical variation, residue mobility, and thermodynamic stability) performed at Invitae indicates that this missense variant is not expected to disrupt GATAD2B protein function. ClinVar contains an entry for this variant (Variation ID: 2432057). This variant has not been reported in the literature in individuals affected with GATAD2B-related conditions. This variant is not present in population databases (gnomAD no frequency). This sequence change replaces arginine, which is basic and polar, with glutamine, which is neutral and polar, at codon 24 of the GATAD2B protein (p.Arg24Gln).

Revvity Omics, Revvity
Classification: Uncertain significance for Severe intellectual disability-poor language-strabismus-grimacing face-long fingers syndrome. Last evaluated: 2022-10-28. Review status: criteria provided, single submitter. Criteria: ACMG Guidelines, 2015. Collection method: clinical testing. Allele origin: germline.